The following is an entry in ClinVar:

NM_000059.4(BRCA2):c.2746_2750dup (p.Asn918fs)

Gene: BRCA2 (BRCA2 DNA repair associated; plus strand). Cytogenetic location: 13q13.1.
Variant type: Duplication.
Coding change: c.2746_2750dup on transcript NM_000059.4 (MANE Select); coding-DNA positions 2746 to 2750, 5 bases duplicated (TGTGT; older notation c.2746_2750dupTGTGT).
Protein change: p.Asn918fs; shifts the reading frame from asparagine 918.
Molecular consequence: frameshift variant.
Genome position (GRCh38, 1-based): chr13:32,337,101-32,337,105, TGTGT duplicated; duplicating any 5 consecutive bases within chr13:32,337,100-32,337,105 gives the same sequence; the c. name uses the placement nearest the transcript's 3' end. VCF-style (leftmost placement, unchanged base first): chr13-32337099-C-CTTGTG. GRCh37 (hg19) VCF-style: chr13-32911236-C-CTTGTG.
Other names: short protein forms N918fs.
Identifiers: ClinVar variation 1417526 (VCV001417526.8), dbSNP rs2137489438, ClinGen allele CA2573149398.

ClinVar aggregate classification (germline): Pathogenic. Review status: criteria provided, multiple submitters, no conflicts (2 of 4 stars). 2 submissions from 2 submitters: Pathogenic (2). Last evaluated 2020-12-03.

Conditions:
Hereditary breast ovarian cancer syndrome. Also called: Hereditary breast and ovarian cancer syndrome (HBOC); Breast and ovarian cancer; Hereditary breast and ovarian cancer syndrome; Hereditary breast and/or ovarian cancer syndrome; BRCA1- and BRCA2-Associated Hereditary Breast and Ovarian Cancer; Hereditary breast and ovarian cancer. Identifiers: Orphanet 145, MedGen C0677776, MeSH D061325, MONDO:0003582. Disease mechanism: loss of function.
Hereditary cancer-predisposing syndrome. Also called: Hereditary Cancer Syndrome; Tumor predisposition; Hereditary neoplastic syndrome; Neoplastic Syndromes, Hereditary. Identifiers: Orphanet 140162, MedGen C0027672, MeSH D009386, MONDO:0015356.

Submissions (2):

Labcorp Genetics (formerly Invitae), Labcorp
Classification: Pathogenic for Hereditary breast ovarian cancer syndrome. Last evaluated: 2020-12-03. Review status: criteria provided, single submitter. Criteria: Invitae Variant Classification Sherloc (09022015). Collection method: clinical testing. Allele origin: germline.
Comment: For these reasons, this variant has been classified as Pathogenic. This variant has not been reported in the literature in individuals with BRCA2-related conditions. This variant is not present in population databases (ExAC no frequency). This sequence change creates a premature translational stop signal (p.Asn918Valfs*2) in the BRCA2 gene. It is expected to result in an absent or disrupted protein product. Loss-of-function variants in BRCA2 are known to be pathogenic (PMID: 20104584).

Ambry Genetics
Classification: Pathogenic for Hereditary cancer-predisposing syndrome. Last evaluated: 2020-03-23. Review status: criteria provided, single submitter. Criteria: Ambry Variant Classification Scheme 2023. Collection method: clinical testing. Allele origin: germline.
Comment: The c.2746_2750dupTGTGT pathogenic mutation, located in coding exon 10 of the BRCA2 gene, results from a duplication of TGTGT at nucleotide position 2746, causing a translational frameshift with a predicted alternate stop codon (p.N918Vfs*2). This alteration is expected to result in loss of function by premature protein truncation or nonsense-mediated mRNA decay. As such, this alteration is interpreted as a disease-causing mutation.

Literature cited by the submitters: PubMed 20104584 (cited by Labcorp Genetics (formerly Invitae), Labcorp).